The following is an entry in ClinVar:

ClinVar aggregate classification (germline): Uncertain significance (1 of 4 stars; one submission).

Conditions:
Gnathodiaphyseal dysplasia (GDD). Also called: GNATHODIAPHYSEAL SCLEROSIS; OSTEOGENESIS IMPERFECTA WITH UNUSUAL SKELETAL LESIONS. Identifiers: Orphanet 53697, MedGen C1833736, MONDO:0008151, OMIM 166260.
Autosomal recessive limb-girdle muscular dystrophy type 2L (LGMDR12). Also called: Limb-girdle muscular dystrophy, type 2L; MUSCULAR DYSTROPHY, LIMB-GIRDLE, AUTOSOMAL RECESSIVE 12; Limb-Girdle Muscular Dystrophy R12 Anoctamin-5-Related (LGMD-R12). Identifiers: Orphanet 206549, MedGen C1969785, MONDO:0012652, OMIM 611307.

Submission:

Labcorp Genetics (formerly Invitae), Labcorp
Classification: Uncertain significance for Autosomal recessive limb-girdle muscular dystrophy type 2L; Gnathodiaphyseal dysplasia. Last evaluated: 2023-03-08. Review status: criteria provided, single submitter. Criteria: Invitae Variant Classification Sherloc (09022015). Collection method: clinical testing. Allele origin: germline.
Comment: In summary, the available evidence is currently insufficient to determine the role of this variant in disease. Therefore, it has been classified as a Variant of Uncertain Significance. Algorithms developed to predict the effect of missense changes on protein structure and function output the following: SIFT: "Not Available"; PolyPhen-2: "Benign"; Align-GVGD: "Not Available". The serine amino acid residue is found in multiple mammalian species, which suggests that this missense change does not adversely affect protein function. This variant has not been reported in the literature in individuals affected with ANO5-related conditions. This variant is not present in population databases (gnomAD no frequency). This sequence change replaces threonine, which is neutral and polar, with serine, which is neutral and polar, at codon 744 of the ANO5 protein (p.Thr744Ser).

NM_213599.3(ANO5):c.2231C>G (p.Thr744Ser)

Gene: ANO5 (anoctamin 5; plus strand). Cytogenetic location: 11p14.3.
Variant type: single nucleotide variant.
Coding change: c.2231C>G on transcript NM_213599.3 (MANE Select); coding-DNA position 2231, C replaced by G.
Protein change: p.Thr744Ser; replaces threonine 744 with serine.
Molecular consequence: missense variant.
Genome position (GRCh38, 1-based): chr11:22,272,985, C>G. VCF-style: chr11-22272985-C-G. GRCh37 (hg19) VCF-style: chr11-22294531-C-G.
Other names: c.2186C>G, p.Thr729Ser (NM_001410964.1); c.2228C>G, p.Thr743Ser (NM_001142649.2); c.2189C>G, p.Thr730Ser (NM_001410963.1); short protein forms T743S, T744S, T729S, T730S.
Identifiers: ClinVar variation 2932608 (VCV002932608.3), dbSNP rs2494377391, ClinGen allele CA379924056.